The following is an entry in ClinVar:

NM_000540.3(RYR1):c.9499C>T (p.Arg3167Ter)

Gene: RYR1 (ryanodine receptor 1; plus strand). Cytogenetic location: 19q13.2.
Variant type: single nucleotide variant.
Coding change: c.9499C>T on transcript NM_000540.3 (MANE Select); coding-DNA position 9499, C replaced by T.
Protein change: p.Arg3167Ter; replaces arginine 3167 with a stop codon.
Molecular consequence: nonsense.
Genome position (GRCh38, 1-based): chr19:38,515,052, C>T. VCF-style: chr19-38515052-C-T. GRCh37 (hg19) VCF-style: chr19-39005692-C-T.
Other names: NM_000540.2(RYR1):c.9499C>T; p.Arg3167Ter; c.9499C>T, p.Arg3167Ter (NM_001042723.2); short protein forms R3167*.
Identifiers: ClinVar variation 590630 (VCV000590630.13), dbSNP rs1171637302, ClinGen allele CA405688717.
Genomic context (GRCh38, chr19:38,515,052, plus strand): 5'-CGCATGCCGCAGCCTCGCCCCCTGTCTCCCTCAGTGGACGACGTCCAGGTCTCTTGCTAC[C>T]GAACGCTGTGCAGTATCTACTCCCTGGGAACCACCAAGAACACTTATGTGGAAAAGTAAG-3'

ClinVar aggregate classification (germline): Uncertain significance. Review status: reviewed by expert panel (3 of 4 stars). 5 submissions from 5 submitters: Uncertain significance (1). 4 of the submissions do not count toward it. Last evaluated 2025-08-01.

Conditions:
RYR1-related disorder. Also called: RYR1-related condition; RYR1-related disorders. Identifiers: MedGen CN239331.
Malignant hyperthermia of anesthesia. Also called: Anesthesic-triggered malignant hyperthermia. Identifiers: Orphanet 423, MedGen C0024591, MONDO:0018493, HP:0034733.
Malignant hyperthermia, susceptibility to, 1 (MHS1). Also called: Malignant hyperthermia suceptibility 1; Anesthesia related hyperthermia; Malignant hyperpyrexia; Fulminating hyperpyrexia; Pharmacogenic myopathy; RYR1-Related Malignant Hyperthermia Susceptibility. Identifiers: Orphanet 423, MedGen C2930980, MONDO:0007783, OMIM 145600.

gnomAD v4.1: 7 of 1,613,568 alleles (0.00043%); highest among the groups gnomAD compares: South Asian, 0.0011%; no homozygotes.

Submissions (5):

ClinGen Malignant Hyperthermia Susceptibility Variant Curation Expert Panel, ClinGen
Classification: Uncertain significance for Malignant hyperthermia of anesthesia. Last evaluated: 2025-08-01. Review status: reviewed by expert panel. Criteria: ClinGen MHS ACMG Specifications V2. Collection method: curation. Allele origin: germline. Inheritance: Autosomal dominant inheritance.
Comment: This pathogenicity assessment is relevant only for malignant hyperthermia susceptibility (MHS) inherited in an autosomal dominant pattern. Variants in RYR1 can also cause other myopathies inherited in an autosomal dominant pattern or in an autosomal recessive pattern. Some of these disorders may predispose individuals to malignant hyperthermia. RYR1 variants may also contribute to a malignant hyperthermia reaction in combination with other genetic and non-genetic factors and the clinician needs to consider such factors in making management decisions. This sequence variant predicts the changing of arginine to a premature stop codon at position 3167 of the RYR1 protein, p.(Arg3167*). The maximum allele frequency for this variant among the six major gnomAD populations is NFE: 0.000018, a frequency consistent with pathogenicity for MHS. This variant has been reported in an individual with a personal or family history of an MH episode without a positive in vitro contracture test (IVCT) or caffeine halothane contracture test (CHCT) result, PS4 not implemented (PMID:26951757). No functional studies were identified for this variant. This variant has been classified as a Variant of Uncertain Significance. Criteria implemented: None.

PreventionGenetics, part of Exact Sciences
Classification: Pathogenic for RYR1-related condition. Last evaluated: 2026-03-13. Review status: criteria provided, single submitter. Criteria: ACMG Guidelines, 2015. Collection method: clinical testing. Allele origin: germline. Not counted in ClinVar's aggregate classification.
Comment: The RYR1 c.9499C>T variant is predicted to result in premature protein termination (p.Arg3167*). This variant has been reported in the compound heterozygous state in an individual with congenital myopathy and malignant hyperthermia (Bamaga et al. 2016. PubMed ID: 26951757). This variant is reported in 0.0018% of alleles in individuals of European (Non-Finnish) descent in gnomAD. Nonsense variants in RYR1 are expected to be pathogenic for autosomal recessive congenital myopathy. However, this variant has been classified as uncertain by the ClinGen Malignant Hyperthermia Susceptibility Variant Curation Expert Panel (Variation ID: 590630). Given the evidence, we classify this variant as pathogenic for autosomal recessive congenital myopathy but as uncertain for malignant hyperthermia susceptibility.

All of Us Research Program, National Institutes of Health
Classification: Uncertain significance for Malignant hyperthermia, susceptibility to, 1. Last evaluated: 2023-07-10. Review status: criteria provided, single submitter. Criteria: ACMG Guidelines, 2015. Collection method: clinical testing. Allele origin: germline. Inheritance: Autosomal dominant inheritance. Observed: 1 variant allele, 1 heterozygote. Not counted in ClinVar's aggregate classification.
Comment: This pathogenicity assessment is for autosomal dominant malignant hyperthermia susceptibility phenotype. This nonsense variant is predicted to result in an absent RYR1 protein product. Loss of RYR1 function due to haploinsufficiency is associated with congenital myopathy, but it is not an established disease mechanism for autosomal dominant malignant hyperthermia susceptibility. Therefore, this variant is classified as a Variant of Uncertain Significance for malignant hyperthermia susceptibility.

This study involves interpretation of variants in research participants for the purpose of population health screening. Participant phenotype was not available at the time of variant classification. Additional details can be found in publication PMID: 35346344, PMCID: PMC8962531

Labcorp Genetics (formerly Invitae), Labcorp
Classification: Pathogenic for RYR1-related disorder. Last evaluated: 2022-10-15. Review status: criteria provided, single submitter. Criteria: Invitae Variant Classification Sherloc (09022015). Collection method: clinical testing. Allele origin: germline. Not counted in ClinVar's aggregate classification.
Comment: For these reasons, this variant has been classified as Pathogenic. ClinVar contains an entry for this variant (Variation ID: 590630). This premature translational stop signal has been observed in individual(s) with congenital myopathy and malignant hyperthermia (PMID: 26951757). This variant is present in population databases (no rsID available, gnomAD 0.002%). This sequence change creates a premature translational stop signal (p.Arg3167*) in the RYR1 gene. It is expected to result in an absent or disrupted protein product. Loss-of-function variants in RYR1 are known to be pathogenic (PMID: 20583297, 20839240, 23919265, 28818389).

GeneDx
Classification: Likely pathogenic. Last evaluated: 2022-07-14. Review status: criteria provided, single submitter. Criteria: GeneDx Variant Classification Process June 2021. Collection method: clinical testing. Allele origin: germline. Affected: yes. Not counted in ClinVar's aggregate classification.
Comment: Nonsense variant predicted to result in protein truncation or nonsense mediated decay in a gene for which loss of function is a known mechanism of disease; Not observed at significant frequency in large population cohorts (gnomAD); This variant is associated with the following publications: (PMID: 26951757, 27562486)

Literature cited by the submitters: PubMed 26951757 (cited by Labcorp Genetics (formerly Invitae), Labcorp); PubMed 20583297 (cited by Labcorp Genetics (formerly Invitae), Labcorp); PubMed 20839240 (cited by Labcorp Genetics (formerly Invitae), Labcorp); PubMed 23919265 (cited by Labcorp Genetics (formerly Invitae), Labcorp); PubMed 28818389 (cited by Labcorp Genetics (formerly Invitae), Labcorp).